The following is an entry in ClinVar:

NM_002661.5(PLCG2):c.3755G>C (p.Arg1252Thr)

Gene: PLCG2 (phospholipase C gamma 2; plus strand). Cytogenetic location: 16q23.3.
Variant type: single nucleotide variant.
Coding change: c.3755G>C on transcript NM_002661.5 (MANE Select); coding-DNA position 3755, G replaced by C.
Protein change: p.Arg1252Thr; replaces arginine 1252 with threonine.
Molecular consequence: missense variant.
Genome position (GRCh38, 1-based): chr16:81,956,879, G>C. VCF-style: chr16-81956879-G-C. GRCh37 (hg19) VCF-style: chr16-81990484-G-C.
Other names: short protein forms R1252T.
Identifiers: ClinVar variation 658351 (VCV000658351.5), dbSNP rs748492148, ClinGen allele CA8194817.

ClinVar aggregate classification (germline): Uncertain significance. Review status: criteria provided, multiple submitters, no conflicts (2 of 4 stars). 3 submissions from 3 submitters: Uncertain significance (3). Last evaluated 2025-05-27.

Conditions:
Autoinflammation-PLCG2-associated antibody deficiency-immune dysregulation. Also called: Autoinflammation, antibody deficiency, and immune dysregulation, plcg2-associated; Autoinflammation, antibody deficiency, and immune dysregulation syndrome; AUTOINFLAMMATION, ANTIBODY DEFICIENCY, AND IMMUNE DYSREGULATION. Identifiers: Orphanet 324530, MedGen C3553961, MONDO:0013944, OMIM 614878.
Familial cold autoinflammatory syndrome 3 (FCAS3). Also called: FAMILIAL ATYPICAL COLD URTICARIA; ANTIBODY DEFICIENCY AND IMMUNE DYSREGULATION, PLCG2-ASSOCIATED. Identifiers: Orphanet 300359, MedGen C3280914, MONDO:0013766, OMIM 614468.

Allele frequency attached by ClinVar (database versions not stated): TOPMed below 0.00001; gnomAD exomes 0.00001 and 0.00002; ExAC 0.00003.
gnomAD v4.1: 6 of 1,612,530 alleles (0.00037%); highest among the groups gnomAD compares: Admixed American, 0.0067%; no homozygotes.

Submissions (3):

Labcorp Genetics (formerly Invitae), Labcorp
Classification: Uncertain significance for Familial cold autoinflammatory syndrome 3. Last evaluated: 2025-05-27. Review status: criteria provided, single submitter. Criteria: Invitae Variant Classification Sherloc (09022015). Collection method: clinical testing. Allele origin: germline.
Comment: This sequence change replaces arginine, which is basic and polar, with threonine, which is neutral and polar, at codon 1252 of the PLCG2 protein (p.Arg1252Thr). This variant also falls at the last nucleotide of exon 32, which is part of the consensus splice site for this exon. This variant is present in population databases (rs748492148, gnomAD 0.009%). This variant has not been reported in the literature in individuals affected with PLCG2-related conditions. ClinVar contains an entry for this variant (Variation ID: 658351). An algorithm developed to predict the effect of missense changes on protein structure and function (PolyPhen-2) suggests that this variant is likely to be tolerated. Variants that disrupt the consensus splice site are a relatively common cause of aberrant splicing (PMID: 17576681, 9536098). Algorithms developed to predict the effect of sequence changes on RNA splicing suggest that this variant may disrupt the consensus splice site. In summary, the available evidence is currently insufficient to determine the role of this variant in disease. Therefore, it has been classified as a Variant of Uncertain Significance.

Fulgent Genetics
Classification: Uncertain significance for Familial cold autoinflammatory syndrome 3; Autoinflammation-PLCG2-associated antibody deficiency-immune dysregulation. Last evaluated: 2022-04-24. Review status: criteria provided, single submitter. Criteria: ACMG Guidelines, 2015. Collection method: clinical testing. Allele origin: unknown.

Baylor Genetics
Classification: Uncertain significance for Autoinflammation-PLCG2-associated antibody deficiency-immune dysregulation. Last evaluated: 2019-12-20. Review status: criteria provided, single submitter. Criteria: ACMG Guidelines, 2015. Collection method: clinical testing. Allele origin: unknown. Affected: yes.
Comment: This variant was determined to be of uncertain significance according to ACMG Guidelines, 2015 [PMID:25741868].

Literature cited by the submitters: PubMed 17576681 (cited by Labcorp Genetics (formerly Invitae), Labcorp); PubMed 9536098 (cited by Labcorp Genetics (formerly Invitae), Labcorp).